The following is an entry in ClinVar:

NM_080425.4(GNAS):c.748G>C (p.Asp250His)

Gene: GNAS (GNAS complex locus; plus strand). Cytogenetic location: 20q13.32.
Variant type: single nucleotide variant.
Coding change: c.748G>C on transcript NM_080425.4 (MANE Plus Clinical); coding-DNA position 748, G replaced by C.
Protein change: p.Asp250His; replaces aspartic acid 250 with histidine.
Molecular consequence: missense variant. On other transcripts: intron variant (3), synonymous variant (2).
Genome position (GRCh38, 1-based): chr20:58,854,013, G>C. VCF-style: chr20-58854013-G-C. GRCh37 (hg19) VCF-style: chr20-57429068-G-C.
Other names: c.748G>C, p.Asp250His (NM_001410913.1); c.*42+13127G>C (NM_016592.5); c.43+13127G>C (NM_001410912.1); c.-39+12138G>C (NM_001309861.2); c.561G>C, p.Ser187= (NM_001077490.3, NM_001309883.1); short protein forms D250H.
Identifiers: ClinVar variation 4977197 (VCV004977197.1).

ClinVar aggregate classification (germline): Uncertain significance (1 of 4 stars; one submission).

Conditions:
GNAS-related disorder. Identifiers: MedGen CN380105.

gnomAD v4.1: 10 of 1,611,590 alleles (0.00062%); highest among the groups gnomAD compares: South Asian, 0.0088%; no homozygotes.

Submission:

PreventionGenetics, part of Exact Sciences
Classification: Uncertain significance for GNAS-related condition. Last evaluated: 2026-09-23. Review status: criteria provided, single submitter. Criteria: ACMG Guidelines, 2015. Collection method: clinical testing. Allele origin: germline.
Comment: The GNAS c.748G>C variant is predicted to result in the amino acid substitution p.Asp250His. To our knowledge, this variant has not been reported in the literature. This variant is reported in 0.0099% of alleles in individuals of South Asian descent in gnomAD. At this time, the clinical significance of this variant is uncertain due to the absence of conclusive functional and genetic evidence.